The following is an entry in ClinVar:

NM_000536.4(RAG2):c.1546C>T (p.Pro516Ser)

Gene: RAG2 (recombination activating 2; minus strand). Cytogenetic location: 11p12.
Variant type: single nucleotide variant.
Coding change: c.1546C>T on transcript NM_000536.4 (MANE Select); coding-DNA position 1546, C replaced by T.
Protein change: p.Pro516Ser; replaces proline 516 with serine.
Molecular consequence: missense variant.
Genome position (GRCh38, 1-based): chr11:36,592,623, G>A on the plus strand (C>T on the coding strand, the complement: RAG2 is on the minus strand). VCF-style: chr11-36592623-G-A. GRCh37 (hg19) VCF-style: chr11-36614173-G-A.
Other names: c.1546C>T, p.Pro516Ser (NM_001243785.2, NM_001243786.2); short protein forms P516S.
Identifiers: ClinVar variation 2015247 (VCV002015247.4), dbSNP rs1851040687, ClinGen allele CA380140130.
Genomic context (GRCh38, chr11:36,592,623, plus strand): 5'-AATCTGAAAGGCTTTTGCAAAACTAATCAAACAACCTTCTAAGAAAGGATTTCTTGGCAG[G>A]AGTCAAGATTTTTCCAGAACCTTTTTTACGGAGGGATTTCATTGGAGGCTTTTTTAAGGG-3'
Protein context (NP_000527.2, residues 506-526): RKKGSGKILT[Pro516Ser]AKKSFLRRLF

ClinVar aggregate classification (germline): Uncertain significance (1 of 4 stars; one submission).

Conditions:
Severe combined immunodeficiency, autosomal recessive, T cell-negative, B cell-negative, NK cell-positive. Also called: Severe combined immunodeficiency due to complete RAG1/2 deficiency; SCID, AR, T-cell negative, B-cell negative, NK cell-positive; SCID, T CELL-NEGATIVE, B CELL-NEGATIVE, NK CELL-POSITIVE. Identifiers: Orphanet 331206, MedGen C1832322, MONDO:0011086, OMIM 601457.
Combined immunodeficiency with skin granulomas. Identifiers: Orphanet 157949, MedGen C2673536, MONDO:0009306, OMIM 233650.

Submission:

Labcorp Genetics (formerly Invitae), Labcorp
Classification: Uncertain significance for Combined immunodeficiency with skin granulomas; Severe combined immunodeficiency, autosomal recessive, T cell-negative, B cell-negative, NK cell-positive. Last evaluated: 2022-07-22. Review status: criteria provided, single submitter. Criteria: Invitae Variant Classification Sherloc (09022015). Collection method: clinical testing. Allele origin: germline.
Comment: In summary, the available evidence is currently insufficient to determine the role of this variant in disease. Therefore, it has been classified as a Variant of Uncertain Significance. Algorithms developed to predict the effect of missense changes on protein structure and function (SIFT, PolyPhen-2, Align-GVGD) all suggest that this variant is likely to be disruptive. This variant has not been reported in the literature in individuals affected with RAG2-related conditions. This variant is not present in population databases (gnomAD no frequency). This sequence change replaces proline, which is neutral and non-polar, with serine, which is neutral and polar, at codon 516 of the RAG2 protein (p.Pro516Ser).